The following is an entry in ClinVar:

ClinVar aggregate classification (germline): Pathogenic/Likely pathogenic. Review status: criteria provided, multiple submitters, no conflicts (2 of 4 stars). 2 submissions from 2 submitters: Pathogenic (1); Likely pathogenic (1). Last evaluated 2024-04-09.

Conditions:
Saldino-Mainzer syndrome (SRTD9). Also called: Renal dysplasia, retinal pigmentary dystrophy, cerebellar ataxia and skeletal dysplasia; CONORENAL SYNDROME; short-rib thoracic dysplasia 9 with or without polydactyly; SHORT-RIB THORACIC DYSPLASIA 9 WITHOUT POLYDACTYLY. Identifiers: Orphanet 140969, MedGen C1849437, MONDO:0009964, OMIM 266920.
Retinitis pigmentosa 80 (RP80). Identifiers: MedGen C4540439, MONDO:0054708, OMIM 617781.

Allele frequency attached by ClinVar (database versions not stated): gnomAD exomes 0.00001; TOPMed 0.00001.

Submissions (2):

Fulgent Genetics
Classification: Likely pathogenic for Saldino-Mainzer syndrome; Retinitis pigmentosa 80. Last evaluated: 2024-04-09. Review status: criteria provided, single submitter. Criteria: ACMG Guidelines, 2015. Collection method: clinical testing. Allele origin: germline.

Labcorp Genetics (formerly Invitae), Labcorp
Classification: Pathogenic for Saldino-Mainzer syndrome. Last evaluated: 2022-10-02. Review status: criteria provided, single submitter. Criteria: Invitae Variant Classification Sherloc (09022015). Collection method: clinical testing. Allele origin: germline.
Comment: This sequence change affects an acceptor splice site in intron 29 of the IFT140 gene. It is expected to disrupt RNA splicing. Variants that disrupt the donor or acceptor splice site typically lead to a loss of protein function (PMID: 16199547), and loss-of-function variants in IFT140 are known to be pathogenic (PMID: 22503633, 23418020, 24009529, 26216056). For these reasons, this variant has been classified as Pathogenic. Algorithms developed to predict the effect of sequence changes on RNA splicing suggest that this variant may disrupt the consensus splice site. Disruption of this splice site has been observed in individual(s) with clinical features of short-rib thoracic dysplasia (Invitae). In at least one individual the data is consistent with being in trans (on the opposite chromosome) from a pathogenic variant. This variant is not present in population databases (gnomAD no frequency).

Literature cited by the submitters: PubMed 16199547 (cited by Labcorp Genetics (formerly Invitae), Labcorp); PubMed 22503633 (cited by Labcorp Genetics (formerly Invitae), Labcorp); PubMed 23418020 (cited by Labcorp Genetics (formerly Invitae), Labcorp); PubMed 24009529 (cited by Labcorp Genetics (formerly Invitae), Labcorp); PubMed 26216056 (cited by Labcorp Genetics (formerly Invitae), Labcorp).

NM_014714.4(IFT140):c.4041-2A>G

Gene: IFT140 (intraflagellar transport 140; minus strand). Cytogenetic location: 16p13.3.
Variant type: single nucleotide variant.
Coding change: c.4041-2A>G on transcript NM_014714.4 (MANE Select); the canonical splice acceptor site of the intron before coding-DNA position 4041, A replaced by G.
Molecular consequence: splice acceptor variant.
Genome position (GRCh38, 1-based): chr16:1,518,359, T>C on the plus strand (A>G on the coding strand, the complement: IFT140 is on the minus strand). VCF-style: chr16-1518359-T-C. GRCh37 (hg19) VCF-style: chr16-1568360-T-C.
Identifiers: ClinVar variation 1980756 (VCV001980756.5), dbSNP rs2040425342, ClinGen allele CA394223851.
Genomic context (GRCh38, chr16:1,518,359, plus strand): 5'-GTTCCTCCAGGAGCAGCTCACACTGCTTGATGGACTCCTTGGGGTCCTCTGTGTACGTCC[T>C]GCCGAGAGCAGAGATGAGGCCTGGGCCCCGAAGCCCTGAACACCTACTGCTATCAGAGGT-3'